The following is an entry in ClinVar:

NM_022489.4(INF2):c.230T>C (p.Leu77Pro)

Gene: INF2 (inverted formin 2; plus strand). Cytogenetic location: 14q32.33.
Variant type: single nucleotide variant.
Coding change: c.230T>C on transcript NM_022489.4 (MANE Select); coding-DNA position 230, T replaced by C.
Protein change: p.Leu77Pro; replaces leucine 77 with proline.
Molecular consequence: missense variant.
Genome position (GRCh38, 1-based): chr14:104,701,595, T>C. VCF-style: chr14-104701595-T-C. GRCh37 (hg19) VCF-style: chr14-105167932-T-C.
Other names: c.230T>C, p.Leu77Pro (NM_001031714.4, NM_032714.3); short protein forms L77P.
Identifiers: ClinVar variation 637707 (VCV000637707.11), dbSNP rs1595163851, ClinGen allele CA391225567.

ClinVar aggregate classification (germline): Pathogenic/Likely pathogenic. Review status: criteria provided, multiple submitters, no conflicts (2 of 4 stars). 3 submissions from 3 submitters: Pathogenic (1); Likely pathogenic (1). 1 of the submissions does not count toward it. Last evaluated 2022-07-01.

Conditions:
INF2-related disorder. Also called: INF2-related condition.
Charcot-Marie-Tooth disease. Also called: Charcot-Marie-Tooth Hereditary Neuropathy; Charcot-Marie-Tooth Neuropathy. Identifiers: Orphanet 166, MedGen C0007959, MONDO:0015626.
Focal segmental glomerulosclerosis 5 (FSGS5). Identifiers: Orphanet 656, MedGen C2750475, MONDO:0013191, OMIM 613237.
Charcot-Marie-Tooth disease dominant intermediate E. Also called: CHARCOT-MARIE-TOOTH NEUROPATHY WITH FOCAL SEGMENTAL GLOMERULONEPHRITIS. Identifiers: Orphanet 93114, MedGen C4302667, MONDO:0013758, OMIM 614455.

Submissions (3):

Labcorp Genetics (formerly Invitae), Labcorp
Classification: Pathogenic for Charcot-Marie-Tooth disease dominant intermediate E; Focal segmental glomerulosclerosis 5. Last evaluated: 2022-07-01. Review status: criteria provided, single submitter. Criteria: Invitae Variant Classification Sherloc (09022015). Collection method: clinical testing. Allele origin: germline.
Comment: This missense change has been observed in individuals with INF2-related conditions (PMID: 22961558; Invitae). Advanced modeling of protein sequence and biophysical properties (such as structural, functional, and spatial information, amino acid conservation, physicochemical variation, residue mobility, and thermodynamic stability) performed at Invitae indicates that this missense variant is expected to disrupt INF2 protein function. For these reasons, this variant has been classified as Pathogenic. This variant disrupts the p.Leu77 amino acid residue in INF2. Other variant(s) that disrupt this residue have been determined to be pathogenic (PMID: 24174593, 25676889). This suggests that this residue is clinically significant, and that variants that disrupt this residue are likely to be disease-causing. ClinVar contains an entry for this variant (Variation ID: 637707). This variant is not present in population databases (gnomAD no frequency). This sequence change replaces leucine, which is neutral and non-polar, with proline, which is neutral and non-polar, at codon 77 of the INF2 protein (p.Leu77Pro).

Blueprint Genetics
Classification: Likely pathogenic for INF2-related disorders. Last evaluated: 2022-05-20. Review status: criteria provided, single submitter. Criteria: ACMG Guidelines, 2015. Collection method: clinical testing. Allele origin: germline. Affected: yes. Observed: 1 variant allele.

Inherited Neuropathy Consortium
Classification: Uncertain significance for Charcot-Marie-Tooth disease. Review status: no assertion criteria provided. Collection method: literature only. Allele origin: germline. Affected: yes. Not counted in ClinVar's aggregate classification.

Literature cited by the submitters: PubMed 22961558 (cited by Labcorp Genetics (formerly Invitae), Labcorp and Inherited Neuropathy Consortium); PubMed 24174593 (cited by Labcorp Genetics (formerly Invitae), Labcorp); PubMed 25676889 (cited by Labcorp Genetics (formerly Invitae), Labcorp).